The following is an entry in ClinVar:

NM_000016.6(ACADM):c.309del (p.Phe103fs)

Gene: ACADM (acyl-CoA dehydrogenase medium chain; plus strand). Cytogenetic location: 1p31.1.
Variant type: Deletion.
Coding change: c.309del on transcript NM_000016.6 (MANE Select); coding-DNA position 309, one base deleted (T; older notation c.309delT).
Protein change: p.Phe103fs; shifts the reading frame from phenylalanine 103.
Molecular consequence: frameshift variant. On other transcripts: intron variant (1).
Genome position (GRCh38, 1-based): chr1:75,733,550, T deleted; the last of 4 consecutive T bases (chr1:75,733,547-75,733,550); deleting any one gives the same sequence. VCF-style (leftmost placement, unchanged base first): chr1-75733546-CT-C. GRCh37 (hg19) VCF-style: chr1-76199231-CT-C.
Other names: c.321del, p.Phe107fs (NM_001127328.3); c.201del, p.Phe67fs (NM_001286042.2); c.408del, p.Phe136fs (NM_001286043.2); c.-100+628del (NM_001286044.2); short protein forms F136fs, F107fs, F67fs, F103fs.
Identifiers: ClinVar variation 2705648 (VCV002705648.3), dbSNP rs2525578020, ClinGen allele CA2697552481.
Genomic context (GRCh38, chr1:75,733,546, plus strand): 5'-GTACTACATATTACAATGTGTTGAAACATTTTGATACTGTAGGAGGTCTTGGACTTGGAA[CT>C]TTTGATGCTTGTTTAATTAGTGAAGAATTGGCTTATGGATGTACAGGGGTTCAGACTGCT-3'

ClinVar aggregate classification (germline): Pathogenic (1 of 4 stars; one submission).

Conditions:
Medium-chain acyl-coenzyme A dehydrogenase deficiency (ACADMD). Also called: MCADH DEFICIENCY; Medium chain acyl-CoA dehydrogenase deficiency; MCADD; CARNITINE DEFICIENCY SECONDARY TO MEDIUM-CHAIN ACYL-CoA DEHYDROGENASE DEFICIENCY; MCAD Deficiency; ACADM DEFICIENCY. Identifiers: Orphanet 42, MedGen C0220710, MONDO:0008721, OMIM 201450.

Submission:

Labcorp Genetics (formerly Invitae), Labcorp
Classification: Pathogenic for Medium-chain acyl-coenzyme A dehydrogenase deficiency. Last evaluated: 2023-12-26. Review status: criteria provided, single submitter. Criteria: Invitae Variant Classification Sherloc (09022015). Collection method: clinical testing. Allele origin: germline.
Comment: This sequence change creates a premature translational stop signal (p.Phe103Leufs*5) in the ACADM gene. It is expected to result in an absent or disrupted protein product. Loss-of-function variants in ACADM are known to be pathogenic (PMID: 16121256, 20434380). This variant is not present in population databases (gnomAD no frequency). This variant has not been reported in the literature in individuals affected with ACADM-related conditions. Algorithms developed to predict the effect of sequence changes on RNA splicing suggest that this variant may disrupt the consensus splice site. For these reasons, this variant has been classified as Pathogenic.

Literature cited by the submitters: PubMed 16121256; PubMed 20434380.